The following is an entry in ClinVar:

NM_000077.5(CDKN2A):c.225_243del (p.Ala76fs)

Gene: CDKN2A (cyclin dependent kinase inhibitor 2A; minus strand). Cytogenetic location: 9p21.3.
Variant type: Deletion.
Coding change: c.225_243del on transcript NM_000077.5; coding-DNA positions 225 to 243, 19 bases deleted (CGCCACTCTCACCCGACCC).
Protein change: p.Ala76fs; shifts the reading frame from alanine 76.
Molecular consequence: frameshift variant (on NM_000077.4). On other transcripts: 3 prime UTR variant (1).
Genome position (GRCh38, 1-based): chr9:21,971,116-21,971,134, GGGTCGGGTGAGAGTGGCG deleted on the plus strand (CGCCACTCTCACCCGACCC on the coding strand, the reverse complement: CDKN2A is on the minus strand); deleting any 19 consecutive bases within chr9:21,971,116-21,971,141 gives the same sequence; the c. name uses the placement nearest the transcript's 3' end. VCF-style (leftmost placement, unchanged base first): chr9-21971115-CGGGTCGGGTGAGAGTGGCG-C. GRCh37 (hg19) VCF-style: chr9-21971114-CGGGTCGGGTGAGAGTGGCG-C.
Other names: c.225_243delCGCCACTCTCACCCGACCC (NM_000077.4); c.225_243del19 (NM_000077.4); c.218_236del19, p.Ala76Cysfs (NM_000077.6); c.225_243del, p.Ala76fs (NM_001195132.2); c.72_90del, p.Ala25fs (NM_001363763.2); c.268_286del, p.Arg90fs (NM_058195.4); c.*148_*166del (NM_058197.5); short protein forms A25fs, A76fs, R90fs.
Identifiers: ClinVar variation 182411 (VCV000182411.26), dbSNP rs730881674, ClinGen allele CA299023.

ClinVar aggregate classification (germline): Pathogenic/Likely pathogenic. Review status: criteria provided, multiple submitters, no conflicts (2 of 4 stars). 10 submissions from 10 submitters: Pathogenic (8); Likely pathogenic (1). 1 of the submissions does not count toward it. Last evaluated 2025-05-21.

Conditions:
CDKN2A-related disorder. Also called: CDKN2A-related condition.
Melanoma and neural system tumor syndrome. Also called: MELANOMA-ASTROCYTOMA SYNDROME. Identifiers: Orphanet 252206, MedGen C1835042, MONDO:0007967, OMIM 155755.
Melanoma-pancreatic cancer syndrome. Identifiers: Orphanet 404560, MedGen C1838547, MONDO:0011713, OMIM 606719. Disease mechanism: loss of function.
Hereditary cancer-predisposing syndrome. Also called: Tumor predisposition; Neoplastic Syndromes, Hereditary; Hereditary neoplastic syndrome; Hereditary Cancer Syndrome. Identifiers: Orphanet 140162, MedGen C0027672, MeSH D009386, MONDO:0015356.
Familial melanoma. Also called: Hereditary melanoma; Hereditary cutaneous melanoma. Identifiers: Orphanet 618, MedGen C1512419, MONDO:0018961.
Familial pancreatic carcinoma. Identifiers: Orphanet 1333, MedGen C2931038, MONDO:0015278, OMIM 260350.

Submissions (10):

Color Diagnostics, LLC DBA Color Health
Classification: Pathogenic for Hereditary cancer-predisposing syndrome. Last evaluated: 2025-05-21. Review status: criteria provided, single submitter. Criteria: ACMG Guidelines, 2015. Collection method: clinical testing. Allele origin: germline.
Comment: The CDKN2A locus encodes two different gene products, p16INK4a and p14ARF. This variant deletes 19 nucleotides in exon 2 of the CDKN2A (p16INK4A) gene, creating a frameshift and premature translation stop signal. This variant is expected to result in an absent or non-functional protein product. Functional studies have shown that this variant disrupted cellular localization and binding CDK4 and CDK6 (PMID: 20340136). This variant has been reported in individuals affected with melanoma, pancreatic cancer, and other types of cancers (PMID: 7640518, 25227142, 25356972, 25780468). This variant is also known as p16-Leiden and has been described as a Dutch founder variant. This variant has not been identified in the general population by the Genome Aggregation Database (gnomAD). Loss of CDKN2A function is a known mechanism of disease. Based on the available evidence, this variant is classified as Pathogenic.

Blueprint Genetics
Classification: Pathogenic for CDKN2A-related disorders. Last evaluated: 2024-11-15. Review status: criteria provided, single submitter. Criteria: ACMG Guidelines, 2015. Collection method: clinical testing. Allele origin: germline. Affected: yes. Observed: 5 variant alleles.

Ambry Genetics
Classification: Pathogenic for Hereditary cancer-predisposing syndrome. Last evaluated: 2024-11-07. Review status: criteria provided, single submitter. Criteria: Ambry Variant Classification Scheme 2023. Collection method: clinical testing. Allele origin: germline.
Comment: The c.225_243del19 pathogenic mutation, located in coding exon 2 of the CDKN2A gene, results from a deletion of 19 nucleotides at nucleotide positions 225 to 243, causing a translational frameshift with a predicted alternate stop codon (p.A76Cfs*64). This mutation has been reported in numerous individuals and families with personal and/or family history consistent with familial atypical multiple mole melanoma (FAMMM) syndrome (Gruis NA et al. Melanoma Res. 1995 Jun;5:169-77; Holland EA et al. Genes Chromosomes Cancer, 1999 Aug;25:339-48; Vasen HF et al. Int. J. Cancer, 2000 Sep;87:809-11; Goldstein AM. Hum. Mutat., 2004 Jun;23:630; Goldstein AM et al. J. Med. Genet., 2007 Feb;44:99-106; Harinck F et al. J. Med. Genet., 2012 Jun;49:362-5). Of note, this alteration is also designated as &ldquo;p16-Leiden-mutation&rdquo; in published literature, and has been described as a Dutch founder mutation. Functional analysis of this alteration revealed that transfected cells show altered subcellular localization, and significantly reduced binding affinity to CDK4 relative to wild type cells (McKenzie HA et al. Hum. Mutat. 2010 Jun;31:692-701). The relative risk for pancreatic cancer associated with this specific alteration ranges from 17% (95% CI 3&ndash;30) to 47.8% (95% CI 28.4-74.7) (Vasen HF et al. Int. J. Cancer, 2000 Sep;87:809-11; de Snoo FA et al. Clin. Cancer Res. 2008 Nov;14:7151-7). Another study also found that smoking significantly increases risks of various cancers in carriers of this mutation (Potjer TP et al. Eur. J. Hum. Genet. 2015 May;23:711-4). In addition to the clinical data presented in the literature, this alteration is expected to result in loss of function by premature protein truncation. As such, this alteration is interpreted as a disease-causing mutation.

Labcorp Genetics (formerly Invitae), Labcorp
Classification: Pathogenic for Familial melanoma. Last evaluated: 2024-09-04. Review status: criteria provided, single submitter. Criteria: Invitae Variant Classification Sherloc (09022015). Collection method: clinical testing. Allele origin: germline.
Comment: The CDKN2A gene encodes two different proteins, p16INK4a and p14ARF, which are translated from alternative transcripts with different open reading frames. Both transcripts have been analyzed. We report either the variant with the higher classification or default to the CDKN2A (p16INK4a) variant. This report therefore includes the details for the CDKN2A (p16INK4a) variant. This sequence change creates a premature translational stop signal (p.Ala76Cysfs*64) in the CDKN2A (p16INK4a) gene. While this is not anticipated to result in nonsense mediated decay, it is expected to disrupt the last 81 amino acid(s) of the CDKN2A (p16INK4a) protein. This variant is not present in population databases (gnomAD no frequency). This premature translational stop signal has been observed in individual(s) with pancreatic cancer, cutaneous malignant melanoma, and familial atypical multiple mole melanoma (PMID: 7640518, 16905682, 17047042, 20340136, 22636603, 23897584, 109563903). It is commonly reported in individuals of Dutch ancestry (PMID: 7640518, 16905682, 17047042, 20340136, 22636603, 23897584, 109563903). This variant is also known as the p16-Leiden variant and c.268_286del (p.Arg90Valfs*76) in the CDKN2A (p14ARF) transcript. ClinVar contains an entry for this variant (Variation ID: 182411). Algorithms developed to predict the effect of variants on gene product structure and function are not available or were not evaluated for this variant. Experimental studies have shown that this premature translational stop signal affects CDKN2A (p16INK4a) function (PMID: 20340136). This variant disrupts a region of the CDKN2A (p16INK4a) protein in which other variant(s) (p.Val126Asp) have been determined to be pathogenic (PMID: 7647780, 7987387, 8668202, 10389768, 11595726, 20340136, 23190892, 23371019). This suggests that this is a clinically significant region of the protein, and that variants that disrupt it are likely to be disease-causing. For these reasons, this variant has been classified as Pathogenic. While the evidence indicates that this variant confers risk of developing CDKN2A (p16INK4a)-associated conditions, its association with risk for developing CDKN2A (p14ARF)-associated conditions is still unclear.

Department of Pathology and Laboratory Medicine, Sinai Health System
Classification: Pathogenic for melanoma-pancreatic cancer syndrome. Last evaluated: 2022-07-04. Review status: criteria provided, single submitter. Criteria: ACMG Guidelines, 2015. Collection method: clinical testing. Allele origin: germline. Affected: no.

MGZ Medical Genetics Center
Classification: Pathogenic for Melanoma-pancreatic cancer syndrome. Last evaluated: 2022-04-27. Review status: criteria provided, single submitter. Criteria: ACMG Guidelines, 2015. Collection method: clinical testing. Allele origin: germline. Affected: yes. Observed: 1 variant allele.
Comment: ACMG criteria applied: PVS1_STR, PS4, PS3_SUP, PM2_SUP

GeneDx
Classification: Pathogenic. Last evaluated: 2022-02-21. Review status: criteria provided, single submitter. Criteria: GeneDx Variant Classification Process June 2021. Collection method: clinical testing. Allele origin: germline. Affected: yes.
Comment: Frameshift variant predicted to result in protein truncation in a gene for which loss-of-function is a known mechanism of disease; Published functional studies demonstrate a damaging effect: loss of CDK4/CDK6 binding, loss of cell cycle inhibitory activity, and altered subcellular localization (McKenzie 2010); Not observed at significant frequency in large population cohorts (gnomAD); Also known as p16-Leiden and considered a Dutch founder variant; This variant is associated with the following publications: (PMID: 16905682, 29961768, 25227142, 12549483, 23897584, 10956390, 22636603, 9579547, 7640518, 26111702, 27406244, 11815963, 21570156, 12690301, 26670666, 27267843, 27672215, 18813118, 18981015, 15146471, 28592523, 29316957, 29263814, 29769629, 30113427, 31923587, 32953120, 32482799, 31203567, 20340136)

Baylor Genetics
Classification: Pathogenic for Melanoma and neural system tumor syndrome. Last evaluated: 2021-04-21. Review status: criteria provided, single submitter. Criteria: ACMG Guidelines, 2015. Collection method: clinical testing. Allele origin: unknown.

Institute of Human Genetics, University Hospital of Duesseldorf
Classification: Likely pathogenic for Familial pancreatic carcinoma. Review status: criteria provided, single submitter. Criteria: ACMG Guidelines, 2015. Collection method: not provided. Allele origin: germline. Inheritance: Autosomal dominant inheritance. Affected: yes.

PreventionGenetics, part of Exact Sciences
Classification: Pathogenic for CDKN2A-related condition. Last evaluated: 2024-04-12. Review status: no assertion criteria provided. Collection method: clinical testing. Allele origin: germline. Not counted in ClinVar's aggregate classification.
Comment: The CDKN2A c.225_243del19 variant is predicted to result in a frameshift and premature protein termination (p.Ala76Cysfs*64). It is also known as p16-Leiden, and reported as a Dutch founder variant. This variant has been reported in individuals with melanoma, and cancers of the pancreas and breast (Gruis et al. 1995. PubMed ID: 7640518; Koorstra et al. 2008. PubMed ID: 18813118; Li et al. 2018. PubMed ID: 29316957; Yurgelun et al. 2019. PubMed ID: 29961768). This variant has not been reported in a large population database and has been interpreted as pathogenic in the ClinVar database. Frameshift variants in CDKN2A are expected to be pathogenic. This variant is interpreted as pathogenic.

Literature cited by the submitters: PubMed 7640518 (cited by 4 submitters); PubMed 20340136 (cited by 3 submitters); PubMed 25227142 (cited by Color Diagnostics, LLC DBA Color Health and Ambry Genetics); PubMed 25356972 (cited by Color Diagnostics, LLC DBA Color Health); PubMed 25780468 (cited by Color Diagnostics, LLC DBA Color Health); PubMed 10398427 (cited by Ambry Genetics); PubMed 10956390 (cited by Ambry Genetics); PubMed 15146471 (cited by Ambry Genetics); PubMed 16905682 (cited by 3 submitters); PubMed 17047042 (cited by Ambry Genetics and Labcorp Genetics (formerly Invitae), Labcorp); PubMed 18813118 (cited by Ambry Genetics); PubMed 18981015 (cited by Ambry Genetics); PubMed 21614589 (cited by Ambry Genetics); PubMed 22636603 (cited by 3 submitters); PubMed 9823374 (cited by Ambry Genetics); PubMed 23897584 (cited by Labcorp Genetics (formerly Invitae), Labcorp); PubMed 109563903 (cited by Labcorp Genetics (formerly Invitae), Labcorp); PubMed 7647780 (cited by Labcorp Genetics (formerly Invitae), Labcorp); PubMed 7987387 (cited by Labcorp Genetics (formerly Invitae), Labcorp); PubMed 8668202 (cited by Labcorp Genetics (formerly Invitae), Labcorp); PubMed 10389768 (cited by Labcorp Genetics (formerly Invitae), Labcorp); PubMed 11595726 (cited by Labcorp Genetics (formerly Invitae), Labcorp); PubMed 23190892 (cited by Labcorp Genetics (formerly Invitae), Labcorp); PubMed 23371019 (cited by Labcorp Genetics (formerly Invitae), Labcorp).